The following is an entry in ClinVar:

NM_022455.5(NSD1):c.1626A>G (p.Ile542Met)

Gene: NSD1 (nuclear receptor binding SET domain protein 1; plus strand). Cytogenetic location: 5q35.3.
Variant type: single nucleotide variant.
Coding change: c.1626A>G on transcript NM_022455.5 (MANE Select); coding-DNA position 1626, A replaced by G.
Protein change: p.Ile542Met; replaces isoleucine 542 with methionine.
Molecular consequence: missense variant.
Genome position (GRCh38, 1-based): chr5:177,210,025, A>G. VCF-style: chr5-177210025-A-G. GRCh37 (hg19) VCF-style: chr5-176637026-A-G.
Other names: c.753A>G, p.Ile251Met (NM_001365684.2, NM_001409306.1, NM_001409307.1 and 3 more transcripts); c.1626A>G, p.Ile542Met (NM_001409301.1, NM_001409302.1, NM_001409303.1); c.1206A>G, p.Ile402Met (NM_001409304.1); c.873A>G, p.Ile291Met (NM_001409305.1); short protein forms I251M, I291M, I402M, I542M.
Identifiers: ClinVar variation 4688530 (VCV004688530.1).
Genomic context (GRCh38, chr5:177,210,025, plus strand): 5'-AGATGAACGGAGGGGAAAGATTCCAGAGAACCTTGGCCTAAACTTTATCTCTGGGGATAT[A>G]TCTGATACGCAGGCCTCTAATGAACTTTCCAGGATAGCAAATAGCCTCACAGGGTCCAAC-3'
Protein context (NP_071900.2, residues 532-552): NLGLNFISGD[Ile542Met]SDTQASNELS

ClinVar aggregate classification (germline): Uncertain significance (1 of 4 stars; one submission).

gnomAD v4.1: 2 of 1,614,058 alleles (0.00012%); highest among the groups gnomAD compares: East Asian, 0.0022%; no homozygotes.

Submission:

Women's Health and Genetics/Laboratory Corporation of America, LabCorp
Classification: Uncertain significance. Last evaluated: 2025-12-30. Review status: criteria provided, single submitter. Criteria: LabCorp Variant Classification Summary - May 2015. Collection method: clinical testing. Allele origin: germline.
Comment: Variant summary: NSD1 c.1626A>G (p.Ile542Met) results in a conservative amino acid change in the encoded protein sequence. Algorithms developed to predict the effect of missense changes on protein structure and function all suggest that this variant is likely to be tolerated. The variant allele was found at a frequency of 4e-06 in 250812 control chromosomes. The available data on variant occurrences in the general population are insufficient to allow any conclusion about variant significance. To our knowledge, no occurrence of c.1626A>G in individuals affected with NSD1-related conditions and no experimental evidence demonstrating its impact on protein function have been reported. No submitters have cited clinical-significance assessments for this variant to ClinVar. Based on the evidence outlined above, the variant was classified as uncertain significance.